The following is an entry in ClinVar:

NM_014314.4(RIGI):c.806G>A (p.Gly269Glu)

Gene: RIGI (RNA sensor RIG-I; minus strand). Cytogenetic location: 9p21.1.
Variant type: single nucleotide variant.
Coding change: c.806G>A on transcript NM_014314.4 (MANE Select); coding-DNA position 806, G replaced by A.
Protein change: p.Gly269Glu; replaces glycine 269 with glutamic acid.
Molecular consequence: missense variant.
Genome position (GRCh38, 1-based): chr9:32,488,881, C>T on the plus strand (G>A on the coding strand, the complement: RIGI is on the minus strand). VCF-style: chr9-32488881-C-T. GRCh37 (hg19) VCF-style: chr9-32488879-C-T.
Other names: c.806G>A, p.Gly269Glu (NM_001385907.1, NM_001385909.1); c.365G>A, p.Gly122Glu (NM_001385910.1); c.197G>A, p.Gly66Glu (NM_001385912.1); c.791G>A, p.Gly264Glu (NM_001385913.1); c.362G>A, p.Gly121Glu (NM_001385914.1); c.806G>A (NM_014314.3); short protein forms G122E, G66E, G121E, G264E, G269E.
Identifiers: ClinVar variation 2052965 (VCV002052965.6), dbSNP rs764396824, ClinGen allele CA5019975.

ClinVar aggregate classification (germline): Uncertain significance. Review status: criteria provided, multiple submitters, no conflicts (2 of 4 stars). 2 submissions from 2 submitters: Uncertain significance (2). Last evaluated 2025-06-08.

Conditions:
Inborn genetic diseases. Identifiers: MedGen C0950123, MeSH D030342.

Allele frequency attached by ClinVar (database versions not stated): ExAC 0.00001; TOPMed 0.00001; gnomAD 0.00002; gnomAD exomes 0.00003.
gnomAD v4.1: 41 of 1,601,420 alleles (0.0026%); highest among the groups gnomAD compares: Non-Finnish European, 0.0035%; no homozygotes.

Submissions (2):

Ambry Genetics
Classification: Uncertain significance for Inborn genetic diseases. Last evaluated: 2025-06-08. Review status: criteria provided, single submitter. Criteria: Ambry Variant Classification Scheme 2023. Collection method: clinical testing. Allele origin: germline.

Labcorp Genetics (formerly Invitae), Labcorp
Classification: Uncertain significance. Last evaluated: 2025-04-17. Review status: criteria provided, single submitter. Criteria: Invitae Variant Classification Sherloc (09022015). Collection method: clinical testing. Allele origin: germline.
Comment: This sequence change replaces glycine, which is neutral and non-polar, with glutamic acid, which is acidic and polar, at codon 269 of the DDX58 protein (p.Gly269Glu). The frequency data for this variant in the population databases is considered unreliable, as metrics indicate poor data quality at this position in the gnomAD database. This variant has not been reported in the literature in individuals affected with DDX58-related conditions. ClinVar contains an entry for this variant (Variation ID: 2052965). Invitae Evidence Modeling of protein sequence and biophysical properties (such as structural, functional, and spatial information, amino acid conservation, physicochemical variation, residue mobility, and thermodynamic stability) indicates that this missense variant is expected to disrupt DDX58 protein function with a positive predictive value of 80%. In summary, the available evidence is currently insufficient to determine the role of this variant in disease. Therefore, it has been classified as a Variant of Uncertain Significance.